The following is an entry in ClinVar:

NM_000240.4(MAOA):c.1440C>A (p.Asp480Glu)

Gene: MAOA (monoamine oxidase A; plus strand). Cytogenetic location: Xp11.3.
Variant type: single nucleotide variant.
Coding change: c.1440C>A on transcript NM_000240.4 (MANE Select); coding-DNA position 1440, C replaced by A.
Protein change: p.Asp480Glu; replaces aspartic acid 480 with glutamic acid.
Molecular consequence: missense variant.
Genome position (GRCh38, 1-based): chrX:43,744,369, C>A. VCF-style: chrX-43744369-C-A. GRCh37 (hg19) VCF-style: chrX-43603616-C-A.
Other names: c.1041C>A, p.Asp347Glu (NM_001270458.2); short protein forms D480E, D347E.
Identifiers: ClinVar variation 1035352 (VCV001035352.8), dbSNP rs367715125, ClinGen allele CA329466946.

ClinVar aggregate classification (germline): Uncertain significance (1 of 4 stars; one submission).

Conditions:
Brunner syndrome (BRNRS). Identifiers: Orphanet 3057, MedGen C0796275, MONDO:0010379, OMIM 300615.

gnomAD v4.1: 13 of 1,210,801 alleles (0.0011%); highest among the groups gnomAD compares: African/African-American, 0.0069%; no homozygotes.

Submission:

Labcorp Genetics (formerly Invitae), Labcorp
Classification: Uncertain significance for Brunner syndrome. Last evaluated: 2023-10-03. Review status: criteria provided, single submitter. Criteria: Invitae Variant Classification Sherloc (09022015). Collection method: clinical testing. Allele origin: germline.
Comment: This sequence change replaces aspartic acid, which is acidic and polar, with glutamic acid, which is acidic and polar, at codon 480 of the MAOA protein (p.Asp480Glu). This variant is not present in population databases (gnomAD no frequency). This variant has not been reported in the literature in individuals affected with MAOA-related conditions. ClinVar contains an entry for this variant (Variation ID: 1035352). Algorithms developed to predict the effect of missense changes on protein structure and function output the following: SIFT: "Not Available"; PolyPhen-2: "Benign"; Align-GVGD: "Not Available". The glutamic acid amino acid residue is found in multiple mammalian species, which suggests that this missense change does not adversely affect protein function. Algorithms developed to predict the effect of sequence changes on RNA splicing suggest that this variant may create or strengthen a splice site. In summary, the available evidence is currently insufficient to determine the role of this variant in disease. Therefore, it has been classified as a Variant of Uncertain Significance.